The following is an entry in ClinVar:

NM_000257.4(MYH7):c.166G>A (p.Gly56Ser)

Gene: MYH7 (myosin heavy chain 7; minus strand). Cytogenetic location: 14q11.2.
Variant type: single nucleotide variant.
Coding change: c.166G>A on transcript NM_000257.4 (MANE Select); coding-DNA position 166, G replaced by A.
Protein change: p.Gly56Ser; replaces glycine 56 with serine.
Molecular consequence: missense variant.
Genome position (GRCh38, 1-based): chr14:23,433,567, C>T on the plus strand (G>A on the coding strand, the complement: MYH7 is on the minus strand). VCF-style: chr14-23433567-C-T. GRCh37 (hg19) VCF-style: chr14-23902776-C-T.
Other names: c.166G>A (NM_000257.3); short protein forms G56S.
Identifiers: ClinVar variation 1026004 (VCV001026004.15), dbSNP rs759500431, ClinGen allele CA029071.

ClinVar aggregate classification (germline): Uncertain significance. Review status: criteria provided, multiple submitters, no conflicts (2 of 4 stars). 8 submissions from 8 submitters: Uncertain significance (8). Last evaluated 2025-12-09.

Conditions:
MYH7-related disorder. Also called: MYH7-related disorders; MYH7-related condition; MYH7-related disease.
Cardiovascular phenotype. Identifiers: MedGen CN230736.
Cardiomyopathy (CMYO). Also called: Cardiomyopathies. Identifiers: Orphanet 167848, MedGen C0878544, MONDO:0004994, HP:0001638. Inheritance: Various modes of inheritance.
Hypertrophic cardiomyopathy. Also called: HYPERTROPHIC MYOCARDIOPATHY. Identifiers: Orphanet 217569, MedGen C0007194, MeSH D002312, MONDO:0005045, HP:0001639.

Allele frequency attached by ClinVar (database versions not stated): gnomAD exomes below 0.00001 and 0.00001; ExAC 0.00001; gnomAD 0.00003; TOPMed 0.00006.
gnomAD v4.1: 12 of 1,614,070 alleles (0.00074%); highest among the groups gnomAD compares: Admixed American, 0.01%; no homozygotes.

Submissions (8):

Labcorp Genetics (formerly Invitae), Labcorp
Classification: Uncertain significance for Hypertrophic cardiomyopathy. Last evaluated: 2025-12-09. Review status: criteria provided, single submitter. Criteria: Invitae Variant Classification Sherloc (09022015). Collection method: clinical testing. Allele origin: germline.
Comment: This sequence change replaces glycine, which is neutral and non-polar, with serine, which is neutral and polar, at codon 56 of the MYH7 protein (p.Gly56Ser). This variant is present in population databases (rs759500431, gnomAD 0.009%). This missense change has been observed in individual(s) with MYH7-related conditions (PMID: 36293497). ClinVar contains an entry for this variant (Variation ID: 1026004). Invitae Evidence Modeling of protein sequence and biophysical properties (such as structural, functional, and spatial information, amino acid conservation, physicochemical variation, residue mobility, and thermodynamic stability) indicates that this missense variant is expected to disrupt MYH7 protein function with a positive predictive value of 95%. In summary, the available evidence is currently insufficient to determine the role of this variant in disease. Therefore, it has been classified as a Variant of Uncertain Significance.

Ambry Genetics
Classification: Uncertain significance for Cardiovascular phenotype. Last evaluated: 2024-03-27. Review status: criteria provided, single submitter. Criteria: Ambry Variant Classification Scheme 2023. Collection method: clinical testing. Allele origin: germline.
Comment: The p.G56S variant (also known as c.166G>A), located in coding exon 1 of the MYH7 gene, results from a G to A substitution at nucleotide position 166. The glycine at codon 56 is replaced by serine, an amino acid with similar properties. This variant co-occurred with an MYBPC3 variant in an individual with sudden death and hypertrophic cardiomyopathy on autopsy (Coll M et al. Int J Mol Sci, 2022 Oct;23). This amino acid position is well conserved in available vertebrate species. In addition, the in silico prediction for this alteration is inconclusive. Based on the available evidence, the clinical significance of this alteration remains unclear.

Blueprint Genetics
Classification: Uncertain significance. Last evaluated: 2023-12-22. Review status: criteria provided, single submitter. Criteria: ACMG Guidelines, 2015. Collection method: clinical testing. Allele origin: germline.

All of Us Research Program, National Institutes of Health
Classification: Uncertain significance for Cardiomyopathy. Last evaluated: 2023-12-13. Review status: criteria provided, single submitter. Criteria: ACMG Guidelines, 2015. Collection method: clinical testing. Allele origin: germline. Inheritance: Autosomal dominant inheritance. Observed: 2 variant alleles, 2 heterozygotes.
Comment: This missense variant replaces glycine with serine at codon 56 of the MYH7 protein. Computational prediction is inconclusive regarding the impact of this variant on protein structure and function (internally defined REVEL score threshold 0.5 < inconclusive < 0.7, PMID: 27666373). To our knowledge, functional studies have not been reported for this variant. This variant has been reported in an individual affected with hypertrophic cardiomyopathy and sudden cardiac death (PMID: 36293497). This variant has been identified in 4/282822 chromosomes in the general population by the Genome Aggregation Database (gnomAD). The available evidence is insufficient to determine the role of this variant in disease conclusively. Therefore, this variant is classified as a Variant of Uncertain Significance.

This study involves interpretation of variants in research participants for the purpose of population health screening. Participant phenotype was not available at the time of variant classification. Additional details can be found in publication PMID: 35346344, PMCID: PMC8962531

Color Diagnostics, LLC DBA Color Health
Classification: Uncertain significance for Cardiomyopathy. Last evaluated: 2023-08-11. Review status: criteria provided, single submitter. Criteria: ACMG Guidelines, 2015. Collection method: clinical testing. Allele origin: germline.
Comment: This missense variant replaces glycine with serine at codon 56 of the MYH7 protein. Computational prediction is inconclusive regarding the impact of this variant on protein structure and function (internally defined REVEL score threshold 0.5 < inconclusive < 0.7, PMID: 27666373). To our knowledge, functional studies have not been reported for this variant. This variant has been reported in an individual affected with hypertrophic cardiomyopathy and sudden cardiac death (PMID: 36293497). This variant has been identified in 4/282822 chromosomes in the general population by the Genome Aggregation Database (gnomAD). The available evidence is insufficient to determine the role of this variant in disease conclusively. Therefore, this variant is classified as a Variant of Uncertain Significance.

PreventionGenetics, part of Exact Sciences
Classification: Uncertain significance for MYH7-related condition. Last evaluated: 2023-06-07. Review status: criteria provided, single submitter. Criteria: ACMG Guidelines, 2015. Collection method: clinical testing. Allele origin: germline.
Comment: The MYH7 c.166G>A variant is predicted to result in the amino acid substitution p.Gly56Ser. To our knowledge, this variant has not been reported in the literature. This variant is reported in 0.0085% of alleles in individuals of Latino descent in gnomAD. At this time, the clinical significance of this variant is uncertain due to the absence of conclusive functional and genetic evidence.

Revvity Omics, Revvity
Classification: Uncertain significance. Last evaluated: 2021-08-31. Review status: criteria provided, single submitter. Criteria: ACMG Guidelines, 2015. Collection method: clinical testing. Allele origin: germline.

GeneDx
Classification: Uncertain significance. Last evaluated: 2020-10-16. Review status: criteria provided, single submitter. Criteria: GeneDx Variant Classification Process June 2021. Collection method: clinical testing. Allele origin: germline. Affected: yes.
Comment: Not observed at a significant frequency in large population cohorts (Lek et al., 2016); In silico analysis supports that this missense variant has a deleterious effect on protein structure/function; Has not been previously published as pathogenic or benign to our knowledge

Literature cited by the submitters: PubMed 36293497 (cited by 4 submitters).